The following is an entry in ClinVar:

NM_000059.4(BRCA2):c.4086C>G (p.His1362Gln)

Gene: BRCA2 (BRCA2 DNA repair associated; plus strand). Cytogenetic location: 13q13.1.
Variant type: single nucleotide variant.
Coding change: c.4086C>G on transcript NM_000059.4 (MANE Select); coding-DNA position 4086, C replaced by G.
Protein change: p.His1362Gln; replaces histidine 1362 with glutamine.
Molecular consequence: missense variant.
Genome position (GRCh38, 1-based): chr13:32,338,441, C>G. VCF-style: chr13-32338441-C-G. GRCh37 (hg19) VCF-style: chr13-32912578-C-G.
Other names: short protein forms H1362Q.
Identifiers: ClinVar variation 1475551 (VCV001475551.8), dbSNP rs760304057, ClinGen allele CA387779202.

ClinVar aggregate classification (germline): Conflicting classifications of pathogenicity. Review status: criteria provided, conflicting classifications (1 of 4 stars). 2 submissions from 2 submitters: Uncertain significance (1); Likely benign (1). Last evaluated 2023-03-23.

Conditions:
Hereditary cancer-predisposing syndrome. Also called: Neoplastic Syndromes, Hereditary; Hereditary Cancer Syndrome; Tumor predisposition; Hereditary neoplastic syndrome. Identifiers: Orphanet 140162, MedGen C0027672, MeSH D009386, MONDO:0015356.
Hereditary breast ovarian cancer syndrome. Also called: Breast and ovarian cancer; Hereditary breast and ovarian cancer; Hereditary breast and ovarian cancer syndrome; Hereditary breast and ovarian cancer syndrome (HBOC); BRCA1- and BRCA2-Associated Hereditary Breast and Ovarian Cancer; Hereditary breast and/or ovarian cancer syndrome. Identifiers: Orphanet 145, MedGen C0677776, MeSH D061325, MONDO:0003582. Disease mechanism: loss of function.

Submissions (2):

University of Washington Department of Laboratory Medicine, University of Washington
Classification: Likely benign for Hereditary cancer-predisposing syndrome. Last evaluated: 2023-03-23. Review status: criteria provided, single submitter. Criteria: Dines et al. (Genet Med. 2020). Collection method: curation. Allele origin: germline.
Comment: Missense variant in a coldspot region where missense variants are very unlikely to be pathogenic (PMID:31911673).

BRCA2 exon 11 coldspot. Reclassification based on statistical prior probability.

Labcorp Genetics (formerly Invitae), Labcorp
Classification: Uncertain significance for Hereditary breast ovarian cancer syndrome. Last evaluated: 2022-01-07. Review status: criteria provided, single submitter. Criteria: Invitae Variant Classification Sherloc (09022015). Collection method: clinical testing. Allele origin: germline.
Comment: In summary, the available evidence is currently insufficient to determine the role of this variant in disease. Therefore, it has been classified as a Variant of Uncertain Significance. This sequence change replaces histidine, which is basic and polar, with glutamine, which is neutral and polar, at codon 1362 of the BRCA2 protein (p.His1362Gln). This variant is not present in population databases (gnomAD no frequency). This variant has not been reported in the literature in individuals affected with BRCA2-related conditions. Advanced modeling of protein sequence and biophysical properties (such as structural, functional, and spatial information, amino acid conservation, physicochemical variation, residue mobility, and thermodynamic stability) performed at Invitae indicates that this missense variant is not expected to disrupt BRCA2 protein function. Algorithms developed to predict the effect of sequence changes on RNA splicing suggest that this variant may create or strengthen a splice site.